The following is an entry in ClinVar:

NM_002474.3(MYH11):c.260T>C (p.Val87Ala)

Gene: MYH11 (myosin heavy chain 11; minus strand). Cytogenetic location: 16p13.11.
Variant type: single nucleotide variant.
Coding change: c.260T>C on transcript NM_002474.3 (MANE Select); coding-DNA position 260, T replaced by C.
Protein change: p.Val87Ala; replaces valine 87 with alanine.
Molecular consequence: missense variant.
Genome position (GRCh38, 1-based): chr16:15,837,993, A>G on the plus strand (T>C on the coding strand, the complement: MYH11 is on the minus strand). VCF-style: chr16-15837993-A-G. GRCh37 (hg19) VCF-style: chr16-15931850-A-G.
Other names: c.260T>C, p.Val87Ala (NM_001040113.2, NM_001040114.2, NM_022844.3); short protein forms V87A.
Identifiers: ClinVar variation 2691210 (VCV002691210.2), dbSNP rs2507036531, ClinGen allele CA395198320.

ClinVar aggregate classification (germline): Uncertain significance. Review status: criteria provided, multiple submitters, no conflicts (2 of 4 stars). 2 submissions from 2 submitters: Uncertain significance (2). Last evaluated 2024-01-22.

Conditions:
Familial thoracic aortic aneurysm and aortic dissection (TAAD). Also called: Thoracic aortic aneurysms and dissections. Identifiers: Orphanet 91387, MedGen C4707243, MONDO:0019625.

gnomAD v4.1: 1 of 1,614,116 alleles (0.000062%); no homozygotes.

Submissions (2):

Color Diagnostics, LLC DBA Color Health
Classification: Uncertain significance for Familial thoracic aortic aneurysm and aortic dissection. Last evaluated: 2024-01-22. Review status: criteria provided, single submitter. Criteria: ACMG Guidelines, 2015. Collection method: clinical testing. Allele origin: germline.
Comment: This missense variant replaces valine with alanine at codon 87 of the MYH11 protein. Computational prediction tools indicate that this variant has a deleterious impact on protein structure and function. To our knowledge, functional studies have not been reported for this variant. This variant has not been reported in individuals affected with MYH11-related disorders in the literature. This variant has not been identified in the general population by the Genome Aggregation Database (gnomAD). The available evidence is insufficient to determine the role of this variant in disease conclusively. Therefore, this variant is classified as a Variant of Uncertain Significance.

CHEO Genetics Diagnostic Laboratory, Children's Hospital of Eastern Ontario
Classification: Uncertain significance for Familial thoracic aortic aneurysm and aortic dissection. Last evaluated: 2023-06-02. Review status: criteria provided, single submitter. Criteria: ACMG Guidelines, 2015. Collection method: clinical testing. Allele origin: germline.